The following is an entry in ClinVar:

ClinVar aggregate classification (germline): Uncertain significance (1 of 4 stars; one submission).

Conditions:
TLR3-related disorder. Also called: TLR3-related condition.

gnomAD v4.1: 7 of 1,614,060 alleles (0.00043%); highest among the groups gnomAD compares: South Asian, 0.0066%; no homozygotes.

Submission:

PreventionGenetics, part of Exact Sciences
Classification: Uncertain significance for TLR3-related condition. Last evaluated: 2025-03-01. Review status: criteria provided, single submitter. Criteria: ACMG Guidelines, 2015. Collection method: clinical testing. Allele origin: germline.
Comment: The TLR3 c.161C>G variant is predicted to result in the amino acid substitution p.Thr54Arg. To our knowledge, this variant has not been reported in the literature. This variant is reported in 0.0065% of alleles in individuals of South Asian descent in gnomAD. At this time, the clinical significance of this variant is uncertain due to the absence of conclusive functional and genetic evidence.

NM_003265.3(TLR3):c.161C>G (p.Thr54Arg)

Gene: TLR3 (toll like receptor 3; plus strand). Cytogenetic location: 4q35.1.
Variant type: single nucleotide variant.
Coding change: c.161C>G on transcript NM_003265.3 (MANE Select); coding-DNA position 161, C replaced by G.
Protein change: p.Thr54Arg; replaces threonine 54 with arginine.
Molecular consequence: missense variant.
Genome position (GRCh38, 1-based): chr4:186,076,780, C>G. VCF-style: chr4-186076780-C-G. GRCh37 (hg19) VCF-style: chr4-186997934-C-G.
Other names: short protein forms T54R.
Identifiers: ClinVar variation 4984857 (VCV004984857.1).